The following is an entry in ClinVar:

NM_014862.4(ARNT2):c.1156T>G (p.Phe386Val)

Genes: ARNT2 (aryl hydrocarbon receptor nuclear translocator 2; plus strand), ARNT2-AS3 (ARNT2 antisense RNA 3; minus strand). Cytogenetic location: 15q25.1.
Variant type: single nucleotide variant.
Coding change: c.1156T>G on transcript NM_014862.4 (MANE Select); coding-DNA position 1156, T replaced by G.
Protein change: p.Phe386Val; replaces phenylalanine 386 with valine.
Molecular consequence: missense variant. On other transcripts: non-coding transcript variant (1).
Genome position (GRCh38, 1-based): chr15:80,555,131, T>G. VCF-style: chr15-80555131-T-G. GRCh37 (hg19) VCF-style: chr15-80847472-T-G.
Other names: short protein forms F386V.
Identifiers: ClinVar variation 3611399 (VCV003611399.2).

ClinVar aggregate classification (germline): Uncertain significance (1 of 4 stars; one submission).

gnomAD v4.1: 6 of 1,614,068 alleles (0.00037%); highest among the groups gnomAD compares: South Asian, 0.0022%; no homozygotes.

Submission:

Labcorp Genetics (formerly Invitae), Labcorp
Classification: Uncertain significance. Last evaluated: 2025-09-09. Review status: criteria provided, single submitter. Criteria: Invitae Variant Classification Sherloc (09022015). Collection method: clinical testing. Allele origin: germline.
Comment: This sequence change replaces phenylalanine, which is neutral and non-polar, with valine, which is neutral and non-polar, at codon 386 of the ARNT2 protein (p.Phe386Val). This variant is present in population databases (rs780428760, gnomAD 0.003%). This variant has not been reported in the literature in individuals affected with ARNT2-related conditions. ClinVar contains an entry for this variant (Variation ID: 3611399). An algorithm developed to predict the effect of missense changes on protein structure and function (PolyPhen-2) suggests that this variant is likely to be tolerated. In summary, the available evidence is currently insufficient to determine the role of this variant in disease. Therefore, it has been classified as a Variant of Uncertain Significance.